The following is an entry in ClinVar:

NM_000642.3(AGL):c.3231G>A (p.Lys1077=)

Gene: AGL (amylo-alpha-1,6-glucosidase and 4-alpha-glucanotransferase; plus strand). Cytogenetic location: 1p21.2.
Variant type: single nucleotide variant.
Coding change: c.3231G>A on transcript NM_000642.3 (MANE Select); coding-DNA position 3231, G replaced by A.
Protein change: p.Lys1077=; no amino-acid change (lysine 1077 retained).
Molecular consequence: synonymous variant.
Genome position (GRCh38, 1-based): chr1:99,892,579, G>A. VCF-style: chr1-99892579-G-A. GRCh37 (hg19) VCF-style: chr1-100358135-G-A.
Other names: c.3231G>A, p.Lys1077= (NM_000028.3, NM_000643.3, NM_000644.3 and 1 more transcripts); c.3183G>A, p.Lys1061= (NM_000646.3); c.3210G>A, p.Lys1070= (NM_001425326.1); c.3030G>A, p.Lys1010= (NM_001425327.1); c.3027G>A, p.Lys1009= (NM_001425328.1); c.2892G>A, p.Lys964= (NM_001425329.1); c.2853G>A, p.Lys951= (NM_001425332.1).
Identifiers: ClinVar variation 291340 (VCV000291340.22), dbSNP rs138063386, ClinGen allele CA967002.

ClinVar aggregate classification (germline): Conflicting classifications of pathogenicity. Review status: criteria provided, conflicting classifications (1 of 4 stars). 7 submissions from 7 submitters: Uncertain significance (1); Likely benign (5). 1 of the submissions does not count toward it. Last evaluated 2026-05-01.

Conditions:
Glycogen storage disease type III (GSD3). Also called: Cori disease; FORBES DISEASE. Identifiers: Orphanet 366, MedGen C0017922, MONDO:0009291, OMIM 232400.

Allele frequency attached by ClinVar (database versions not stated): gnomAD 0.00011; TOPMed 0.00015; gnomAD exomes 0.00019 and 0.00022; ExAC 0.00022; ESP Exome Variant Server 0.00023.
gnomAD v4.1: 344 of 1,613,380 alleles (0.021%); highest among the groups gnomAD compares: Non-Finnish European, 0.026%; no homozygotes.

Submissions (7):

CeGaT Center for Human Genetics Tuebingen
Classification: Likely benign. Last evaluated: 2026-05-01. Review status: criteria provided, single submitter. Criteria: CeGaT Center For Human Genetics Tuebingen Variant Classification Criteria Version 2. Collection method: clinical testing. Allele origin: germline. Affected: yes. Observed: 1 variant allele.
Comment: AGL: BP4, BP7

Labcorp Genetics (formerly Invitae), Labcorp
Classification: Likely benign for Glycogen storage disease type III. Last evaluated: 2026-01-27. Review status: criteria provided, single submitter. Criteria: Invitae Variant Classification Sherloc (09022015). Collection method: clinical testing. Allele origin: germline.

Blueprint Genetics
Classification: Likely benign. Last evaluated: 2024-11-18. Review status: criteria provided, single submitter. Criteria: ACMG Guidelines, 2015. Collection method: clinical testing. Allele origin: germline.

Genome-Nilou Lab
Classification: Likely benign for Glycogen storage disease type III. Last evaluated: 2021-07-15. Review status: criteria provided, single submitter. Criteria: ACMG Guidelines, 2015. Collection method: clinical testing. Allele origin: germline. Affected: no.

Illumina Laboratory Services, Illumina
Classification: Uncertain significance for Glycogen storage disease type III. Last evaluated: 2018-01-13. Review status: criteria provided, single submitter. Criteria: ICSL Variant Classification Criteria 13 December 2019. Collection method: clinical testing. Allele origin: germline.

GeneDx
Classification: Likely benign. Last evaluated: 2017-09-22. Review status: criteria provided, single submitter. Criteria: GeneDx Variant Classification (06012015). Collection method: clinical testing. Allele origin: germline. Affected: yes.
Comment: This variant is considered likely benign or benign based on one or more of the following criteria: it is a conservative change, it occurs at a poorly conserved position in the protein, it is predicted to be benign by multiple in silico algorithms, and/or has population frequency not consistent with disease.

Natera, Inc.
Classification: Likely benign for Glycogen storage disease type III. Last evaluated: 2020-09-16. Review status: no assertion criteria provided. Collection method: clinical testing. Allele origin: germline. Not counted in ClinVar's aggregate classification.